The following is an entry in ClinVar:

ClinVar aggregate classification (germline): Uncertain significance (0 of 4 stars; one submission).

Submission:

Biesecker Lab/Clinical Genomics Section, National Institutes of Health
Classification: Uncertain significance. Last evaluated: 2012-07-13. Review status: no assertion criteria provided. Collection method: research. Allele origin: germline. Affected: no. Observed: 1 variant allele. Study: ClinSeq.
ClinVar note: Converted during submission from variant of unknown significance to Uncertain significance.

NM_000077.4:c.155G>A

Gene: CDKN2A (cyclin dependent kinase inhibitor 2A; minus strand). Cytogenetic location: 9p21.3.
Variant type: single nucleotide variant.
Identifiers: ClinVar variation 41575 (VCV000041575.2).